The following is an entry in ClinVar:

ClinVar aggregate classification (germline): Uncertain significance (1 of 4 stars; one submission).

Conditions:
Neuroblastoma, susceptibility to, 3. Also called: ALK-Related Neuroblastic Tumor Susceptibility. Identifiers: Orphanet 635, MedGen C2751681, MONDO:0013083, OMIM 613014.

Submission:

Labcorp Genetics (formerly Invitae), Labcorp
Classification: Uncertain significance for Neuroblastoma, susceptibility to, 3. Last evaluated: 2022-01-11. Review status: criteria provided, single submitter. Criteria: Invitae Variant Classification Sherloc (09022015). Collection method: clinical testing. Allele origin: germline.
Comment: In summary, the available evidence is currently insufficient to determine the role of this variant in disease. Therefore, it has been classified as a Variant of Uncertain Significance. Experimental studies and prediction algorithms are not available or were not evaluated, and the functional significance of this variant is currently unknown. This variant has not been reported in the literature in individuals affected with ALK-related conditions. This variant is a gross deletion of the genomic region encompassing exon(s) 2-5 of the ALK gene. This variant would be expected to be in-frame, preserving the integrity of the reading frame.

NC_000002.11:g.(?_29606588)_(29940573_?)del

Gene: ALK (ALK receptor tyrosine kinase; minus strand). Cytogenetic location: 2p23.2.
Variant type: Deletion.
Identifiers: ClinVar variation 2425057 (VCV002425057.4).